The following is an entry in ClinVar:

ClinVar aggregate classification (germline): Uncertain significance (1 of 4 stars; one submission).

Conditions:
Multiple acyl-CoA dehydrogenase deficiency (MADD). Also called: Glutaric aciduria, type 2; Glutaric Acidemia type 2; ETHYLMALONIC-ADIPICACIDURIA; GA II; Glutaric acidemia type II; GA 2. Identifiers: Orphanet 26791, MedGen C0268596, MONDO:0009282, OMIM 231680.

Allele frequency attached by ClinVar (database versions not stated): gnomAD 0.00001; gnomAD exomes 0.00002; TOPMed 0.00003; ExAC 0.00004.
gnomAD v4.1: 24 of 1,565,862 alleles (0.0015%); highest among the groups gnomAD compares: Middle Eastern, 0.033%; no homozygotes.

Submission:

Labcorp Genetics (formerly Invitae), Labcorp
Classification: Uncertain significance for Multiple acyl-CoA dehydrogenase deficiency. Last evaluated: 2022-09-13. Review status: criteria provided, single submitter. Criteria: Invitae Variant Classification Sherloc (09022015). Collection method: clinical testing. Allele origin: germline.
Comment: This sequence change replaces arginine, which is basic and polar, with histidine, which is basic and polar, at codon 191 of the ETFB protein (p.Arg191His). This variant is present in population databases (rs769951998, gnomAD 0.006%). This variant has not been reported in the literature in individuals affected with ETFB-related conditions. ClinVar contains an entry for this variant (Variation ID: 1397151). Advanced modeling of protein sequence and biophysical properties (such as structural, functional, and spatial information, amino acid conservation, physicochemical variation, residue mobility, and thermodynamic stability) performed at Invitae indicates that this missense variant is expected to disrupt ETFB protein function. In summary, the available evidence is currently insufficient to determine the role of this variant in disease. Therefore, it has been classified as a Variant of Uncertain Significance.

NM_001985.3(ETFB):c.572G>A (p.Arg191His)

Gene: ETFB (electron transfer flavoprotein subunit beta; minus strand). Cytogenetic location: 19q13.41.
Variant type: single nucleotide variant.
Coding change: c.572G>A on transcript NM_001985.3 (MANE Select); coding-DNA position 572, G replaced by A.
Protein change: p.Arg191His; replaces arginine 191 with histidine.
Molecular consequence: missense variant.
Genome position (GRCh38, 1-based): chr19:51,346,925, C>T on the plus strand (G>A on the coding strand, the complement: ETFB is on the minus strand). VCF-style: chr19-51346925-C-T. GRCh37 (hg19) VCF-style: chr19-51850179-C-T.
Other names: c.845G>A, p.Arg282His (NM_001014763.1); short protein forms R191H, R282H.
Identifiers: ClinVar variation 1397151 (VCV001397151.3), dbSNP rs769951998, ClinGen allele CA9610718.
Genomic context (GRCh38, chr19:51,346,925, plus strand): 5'-CCCAGGCCCTCAGTGCCCGCTGGCCAGGGGCTCACCATGATGTTGGGCAGCGTGGCGTAG[C>T]GGGGCTCGTTGAGCCTCAGGTCAGCTGTCACCACAGCTGGCAGCTTCAGGCGCAGGGTCT-3'
Protein context (NP_001976.1, residues 181-201): VTADLRLNEP[Arg191His]YATLPNIMKA